The following is an entry in ClinVar:

ClinVar aggregate classification (germline): Uncertain significance (1 of 4 stars; one submission).

Conditions:
Myopathy, centronuclear, 2 (CNM2). Also called: MYOTUBULAR MYOPATHY, AUTOSOMAL RECESSIVE. Identifiers: Orphanet 169186, MedGen CN031787, MONDO:0009709, OMIM 255200.

Submission:

Labcorp Genetics (formerly Invitae), Labcorp
Classification: Uncertain significance for Myopathy, centronuclear, 2. Last evaluated: 2025-01-27. Review status: criteria provided, single submitter. Criteria: Invitae Variant Classification Sherloc (09022015). Collection method: clinical testing. Allele origin: germline.
Comment: This sequence change replaces leucine, which is neutral and non-polar, with valine, which is neutral and non-polar, at codon 515 of the BIN1 protein (p.Leu515Val). This variant is not present in population databases (gnomAD no frequency). This variant has not been reported in the literature in individuals affected with BIN1-related conditions. Invitae Evidence Modeling of protein sequence and biophysical properties (such as structural, functional, and spatial information, amino acid conservation, physicochemical variation, residue mobility, and thermodynamic stability) indicates that this missense variant is not expected to disrupt BIN1 protein function with a negative predictive value of 80%. In summary, the available evidence is currently insufficient to determine the role of this variant in disease. Therefore, it has been classified as a Variant of Uncertain Significance.

NM_139343.3(BIN1):c.1543T>G (p.Leu515Val)

Gene: BIN1 (bridging integrator 1; minus strand). Cytogenetic location: 2q14.3.
Variant type: single nucleotide variant.
Coding change: c.1543T>G on transcript NM_139343.3 (MANE Select); coding-DNA position 1543, T replaced by G.
Protein change: p.Leu515Val; replaces leucine 515 with valine.
Molecular consequence: missense variant.
Genome position (GRCh38, 1-based): chr2:127,050,831, A>C on the plus strand (T>G on the coding strand, the complement: BIN1 is on the minus strand). VCF-style: chr2-127050831-A-C. GRCh37 (hg19) VCF-style: chr2-127808407-A-C.
Other names: c.1036T>G, p.Leu346Val (NM_001320632.2); c.1174T>G, p.Leu392Val (NM_001320633.2); c.919T>G, p.Leu307Val (NM_001320634.1); c.1303T>G, p.Leu435Val (NM_001320640.2); c.1450T>G, p.Leu484Val (NM_001320641.2); c.1462T>G, p.Leu488Val (NM_001320642.1); c.1126T>G, p.Leu376Val (NM_004305.4); c.1414T>G, p.Leu472Val (NM_139344.3); and 7 more; short protein forms L331V, L346V, L392V, L397V, L404V, L428V, L440V, L472V.
Identifiers: ClinVar variation 4747883 (VCV004747883.1).